The following is an entry in ClinVar:

ClinVar aggregate classification (germline): Pathogenic (1 of 4 stars; one submission).

Conditions:
Hereditary cancer-predisposing syndrome. Also called: Neoplastic Syndromes, Hereditary; Tumor predisposition; Hereditary Cancer Syndrome; Hereditary neoplastic syndrome. Identifiers: Orphanet 140162, MedGen C0027672, MeSH D009386, MONDO:0015356.

Submission:

Ambry Genetics
Classification: Pathogenic for Hereditary cancer-predisposing syndrome. Last evaluated: 2026-01-12. Review status: criteria provided, single submitter. Criteria: Ambry Variant Classification Scheme 2023. Collection method: clinical testing. Allele origin: germline.
Comment: The p.C196* pathogenic mutation (also known as c.588T>A), located in coding exon 5 of the DICER1 gene, results from a T to A substitution at nucleotide position 588. This changes the amino acid from a cysteine to a stop codon within coding exon 5. This variant is considered to be rare based on population cohorts in the Genome Aggregation Database (gnomAD). This alteration is expected to result in loss of function by premature protein truncation or nonsense-mediated mRNA decay. As such, this alteration is interpreted as a disease-causing mutation.

NM_177438.3(DICER1):c.588T>A (p.Cys196Ter)

Gene: DICER1 (dicer 1, ribonuclease III; minus strand). Cytogenetic location: 14q32.13.
Variant type: single nucleotide variant.
Coding change: c.588T>A on transcript NM_177438.3 (MANE Select); coding-DNA position 588, T replaced by A.
Protein change: p.Cys196Ter; replaces cysteine 196 with a stop codon.
Molecular consequence: nonsense. On other transcripts: 5 prime UTR variant (1), non-coding transcript variant (6).
Genome position (GRCh38, 1-based): chr14:95,129,618, A>T on the plus strand (T>A on the coding strand, the complement: DICER1 is on the minus strand). VCF-style: chr14-95129618-A-T. GRCh37 (hg19) VCF-style: chr14-95595955-A-T.
Other names: c.588T>A, p.Cys196Ter (NM_001395693.1, NM_001395694.1, NM_001395695.1 and 14 more transcripts); c.183T>A, p.Cys61Ter (NM_001395696.1, NM_001395698.1, NM_001395689.1 and 3 more transcripts); c.-981T>A (NM_001395697.1); c.21T>A, p.Cys7Ter (NM_001395691.1); c.306T>A, p.Cys102Ter (NM_001395686.1); short protein forms C196*, C61*, C7*, C102*.
Identifiers: ClinVar variation 4843084 (VCV004843084.1).